The following is an entry in ClinVar:

ClinVar aggregate classification (germline): Conflicting classifications of pathogenicity. Review status: criteria provided, conflicting classifications (1 of 4 stars). 5 submissions from 5 submitters: Uncertain significance (3); Likely benign (1). 1 of the submissions does not count toward it. Last evaluated 2025-08-11.

Conditions:
WDPCP-related disorder. Also called: WDPCP-related condition.
Inborn genetic diseases. Identifiers: MedGen C0950123, MeSH D030342.
Heart defect - tongue hamartoma - polysyndactyly syndrome. Also called: Congenital heart defects, hamartomas of tongue, and polysyndactyly. Identifiers: Orphanet 1338, MedGen C1857587, MONDO:0009008, OMIM 217085.
Bardet-Biedl syndrome 15 (BBS15). Identifiers: Orphanet 110, MedGen C3150127, MONDO:0014443, OMIM 615992.
Bardet-Biedl syndrome (BBS). Identifiers: Orphanet 110, MedGen C0752166, MONDO:0015229.

Allele frequency attached by ClinVar (database versions not stated): gnomAD 0.00001; TOPMed 0.00002; ExAC 0.00004; gnomAD exomes 0.00005.
gnomAD v4.1: 9 of 1,593,062 alleles (0.00056%); highest among the groups gnomAD compares: East Asian, 0.018%; no homozygotes.

Submissions (5):

Ambry Genetics
Classification: Likely benign for Inborn genetic diseases. Last evaluated: 2025-08-11. Review status: criteria provided, single submitter. Criteria: Ambry Variant Classification Scheme 2023. Collection method: clinical testing. Allele origin: germline.

Blueprint Genetics
Classification: Uncertain significance. Last evaluated: 2024-05-15. Review status: criteria provided, single submitter. Criteria: ACMG Guidelines, 2015. Collection method: clinical testing. Allele origin: germline.

Labcorp Genetics (formerly Invitae), Labcorp
Classification: Uncertain significance for Bardet-Biedl syndrome. Last evaluated: 2022-07-11. Review status: criteria provided, single submitter. Criteria: Invitae Variant Classification Sherloc (09022015). Collection method: clinical testing. Allele origin: germline.
Comment: This sequence change replaces lysine, which is basic and polar, with glutamic acid, which is acidic and polar, at codon 65 of the WDPCP protein (p.Lys65Glu). This variant is present in population databases (rs750924240, gnomAD 0.07%). This variant has not been reported in the literature in individuals affected with WDPCP-related conditions. ClinVar contains an entry for this variant (Variation ID: 937073). Algorithms developed to predict the effect of missense changes on protein structure and function are either unavailable or do not agree on the potential impact of this missense change (SIFT: "Deleterious"; PolyPhen-2: "Probably Damaging"; Align-GVGD: "Class C0"). In summary, the available evidence is currently insufficient to determine the role of this variant in disease. Therefore, it has been classified as a Variant of Uncertain Significance.

Fulgent Genetics
Classification: Uncertain significance for Heart defect - tongue hamartoma - polysyndactyly syndrome; Bardet-Biedl syndrome 15. Last evaluated: 2022-03-12. Review status: criteria provided, single submitter. Criteria: ACMG Guidelines, 2015. Collection method: clinical testing. Allele origin: unknown.

PreventionGenetics, part of Exact Sciences
Classification: Uncertain significance for WDPCP-related condition. Last evaluated: 2024-04-01. Review status: no assertion criteria provided. Collection method: clinical testing. Allele origin: germline. Not counted in ClinVar's aggregate classification.
Comment: The WDPCP c.193A>G variant is predicted to result in the amino acid substitution p.Lys65Glu. To our knowledge, this variant has not been reported in the literature. This variant is reported in 0.067% of alleles in individuals of East Asian descent in gnomAD. At this time, the clinical significance of this variant is uncertain due to the absence of conclusive functional and genetic evidence.

NM_015910.7(WDPCP):c.193A>G (p.Lys65Glu)

Gene: WDPCP (WD repeat containing planar cell polarity effector; minus strand). Cytogenetic location: 2p15.
Variant type: single nucleotide variant.
Coding change: c.193A>G on transcript NM_015910.7 (MANE Select); coding-DNA position 193, A replaced by G.
Protein change: p.Lys65Glu; replaces lysine 65 with glutamic acid.
Molecular consequence: missense variant. On other transcripts: non-coding transcript variant (2).
Genome position (GRCh38, 1-based): chr2:63,487,462, T>C on the plus strand (A>G on the coding strand, the complement: WDPCP is on the minus strand). VCF-style: chr2-63487462-T-C. GRCh37 (hg19) VCF-style: chr2-63714596-T-C.
Other names: c.121A>G, p.Lys41Glu (NM_001354044.2); c.193A>G, p.Lys65Glu (NM_001354045.2); short protein forms K65E, K41E.
Identifiers: ClinVar variation 937073 (VCV000937073.11), dbSNP rs750924240, ClinGen allele CA1682582.
Genomic context (GRCh38, chr2:63,487,462, plus strand): 5'-AATATTTAGTTAATAAAAATTAATTGCACAGAATAGGTACTTTACCTGGTGGATCTTTCT[T>C]GTCATAATACTGGTAGATCCCAATGTCTCTATCTATAGAAAGGAAGAAATAACATTAAAT-3'
Protein context (NP_056994.3, residues 55-75): RDIGIYQYYD[Lys65Glu]KDPPATEHGN